The following is an entry in ClinVar:

NM_130839.5(UBE3A):c.2567_2568dup (p.Glu857fs)

Genes: SNHG14 (small nucleolar RNA host gene 14; plus strand), UBE3A (ubiquitin protein ligase E3A; minus strand). Cytogenetic location: 15q11.2.
Variant type: Duplication.
Coding change: c.2567_2568dup on transcript NM_130839.5 (MANE Select); coding-DNA positions 2567 to 2568, 2 bases duplicated (AA; older notation c.2567_2568dupAA).
Protein change: p.Glu857fs; shifts the reading frame from glutamic acid 857.
Molecular consequence: frameshift variant. On other transcripts: non-coding transcript variant (1).
Genome position (GRCh38, 1-based): chr15:25,339,188-25,339,189, TT duplicated on the plus strand (AA on the coding strand, the reverse complement: UBE3A is on the minus strand); duplicating any 2 consecutive bases within chr15:25,339,188-25,339,190 gives the same sequence; the c. name uses the placement nearest the transcript's 3' end. VCF-style (leftmost placement, unchanged base first): chr15-25339187-C-CTT. GRCh37 (hg19) VCF-style: chr15-25584334-C-CTT.
Other names: c.2576_2577dup, p.Glu860fs (NM_000462.5); c.2567_2568dup, p.Glu857fs (NM_001354505.1, NM_001354538.2); c.2507_2508dup, p.Glu837fs (NM_001354506.2, NM_001354507.2, NM_001354508.2 and 14 more transcripts); c.2411_2412dup, p.Glu805fs (NM_001354545.2); c.2390_2391dup, p.Glu798fs (NM_001354546.2); c.2351_2352dup, p.Glu785fs (NM_001354547.2, NM_001354548.2); c.2342_2343dup, p.Glu782fs (NM_001354549.2); c.1316_1317dup, p.Glu440fs (NM_001354550.2); and 1 more; short protein forms E860fs, E420fs, E440fs, E798fs, E805fs, E857fs, E782fs, E785fs.
Identifiers: ClinVar variation 817212 (VCV000817212.1), dbSNP rs587781231, ClinGen allele CA915946468.

ClinVar aggregate classification (germline): Pathogenic (1 of 4 stars; one submission).

Submission:

GeneDx
Classification: Pathogenic. Last evaluated: 2018-08-24. Review status: criteria provided, single submitter. Criteria: GeneDx Variant Classification (06012015). Collection method: clinical testing. Allele origin: germline. Affected: yes.
Comment: The c.2507_2508dupAA variant in the UBE3A gene has not been reported previously as a pathogenic variant nor as a benign variant, to our knowledge. The c.2507_2508dupAA variant causes a frameshift starting with codon Glutamic acid 837, changes this amino acid to a Lysine residue, and creates a premature Stop codon at position 5 of the new reading frame, denoted p.Glu837LysfsX5. This variant is predicted to cause loss of normal protein function through protein truncation, as the last 16 amino acids are lost and replaced with 4 incorrect amino acids. The c.2507_2508dupAA variant is not observed in large population cohorts (Lek et al., 2016). We interpret c.2507_2508dupAA as a pathogenic variant.